The following is an entry in ClinVar:

NM_000937.5(POLR2A):c.1518A>G (p.Pro506=)

Gene: POLR2A (RNA polymerase II subunit A; plus strand). Cytogenetic location: 17p13.1.
Variant type: single nucleotide variant.
Coding change: c.1518A>G on transcript NM_000937.5 (MANE Select); coding-DNA position 1518, A replaced by G.
Protein change: p.Pro506=; no amino-acid change (proline 506 retained).
Molecular consequence: synonymous variant.
Genome position (GRCh38, 1-based): chr17:7,499,338, A>G. VCF-style: chr17-7499338-A-G. GRCh37 (hg19) VCF-style: chr17-7402657-A-G.
Identifiers: ClinVar variation 5041385 (VCV005041385.1).

ClinVar aggregate classification (germline): Likely benign (1 of 4 stars; one submission).

Submission:

CeGaT Center for Human Genetics Tuebingen
Classification: Likely benign. Last evaluated: 2026-09-01. Review status: criteria provided, single submitter. Criteria: CeGaT Center For Human Genetics Tuebingen Variant Classification Criteria Version 2. Collection method: clinical testing. Allele origin: germline. Affected: yes. Observed: 1 variant allele.
Comment: POLR2A: BP4, BP7